The following is an entry in ClinVar:

NM_001034853.2(RPGR):c.3373C>T (p.Gln1125Ter)

Gene: RPGR (retinitis pigmentosa GTPase regulator; minus strand). Cytogenetic location: Xp11.4.
Variant type: single nucleotide variant.
Coding change: c.3373C>T on transcript NM_001034853.2 (MANE Select); coding-DNA position 3373, C replaced by T.
Protein change: p.Gln1125Ter; replaces glutamine 1125 with a stop codon.
Molecular consequence: nonsense. On other transcripts: intron variant (8).
Genome position (GRCh38, 1-based): chrX:38,285,626, G>A on the plus strand (C>T on the coding strand, the complement: RPGR is on the minus strand). VCF-style: chrX-38285626-G-A. GRCh37 (hg19) VCF-style: chrX-38144879-G-A.
Other names: NM_001034853.2(RPGR):c.3373C>T; p.Gln1125Ter; c.1569+5333C>T (NM_001367249.1, NM_001367250.1); c.1902+1468C>T (NM_001367245.1); c.1386+5333C>T (NM_001367251.1); c.1719+1468C>T (NM_001367246.1); c.1572+5333C>T (NM_001367247.1); c.1905+1468C>T (NM_000328.3); and 1 more; short protein forms Q1125*.
Identifiers: ClinVar variation 810564 (VCV000810564.43), dbSNP rs1601917052, ClinGen allele CA412726773.
Genomic context (GRCh38, chrX:38,285,626, plus strand): 5'-ATACATTATTCCAGAACTTTTTGGAACCTGATGGCCCGTTTTTTAAAAGTCGTTTTGACT[G>A]GACTGGCATTTTGGACCTCTGCTCTTTCCCATTTCCCTGTGTGTTAGTAACTGACTTTTT-3'

ClinVar aggregate classification (germline): Likely pathogenic. Review status: reviewed by expert panel (3 of 4 stars). 4 submissions from 4 submitters: Likely pathogenic (1). 3 of the submissions do not count toward it. Last evaluated 2025-05-20.

Conditions:
RPGR-related retinopathy. Also called: RPGR retinopathy. Identifiers: MedGen CN305589, MONDO:0100437.
Retinitis pigmentosa (RP). Identifiers: Orphanet 791, MedGen C0035334, MeSH D012174, MONDO:0019200, OMIM 268000. Inheritance: Autosomal dominant, autosomal recessive and X linked inheritance.
Retinal dystrophy. Also called: Inherited retinal dystrophy. Identifiers: Orphanet 71862, MedGen C0854723, MeSH D058499, MONDO:0019118, HP:0000556.

Submissions (4):

ClinGen X-linked Inherited Retinal Disease Variant Curation Expert Panel, ClinGen
Classification: Likely pathogenic for RPGR-related retinopathy. Last evaluated: 2025-05-20. Review status: reviewed by expert panel. Criteria: ClinGen X LinkedIRD ACMG Specifications RPGR V1.0.0. Collection method: curation. Allele origin: germline. Inheritance: X-linked inheritance.
Comment: NM_001034853.2(RPGR):c.3373C>T (p.Gln1125Ter) is a nonsense variant that introduces a premature stop codon into exon 15 of 15 before amino acid 1132, which is predicted not to trigger nonsense-mediated decay but rather to C- terminally truncate the protein product (PVS1). This variant is absent from hemizygous individuals in gnomAD v4.1.0 (PM2_Supporting). This variant has been reported in at least 2 apparently unrelated probands who did not meet the PS4 requirement of some functional vision impairment in affected males by age 30 years, or decreased or absent cone and/or rod electroretinogram responses, so PS4_Supporting is not met. In summary, this variant is classified as likely pathogenic for RPGR-related retinopathy based on the ClinGen X-linked Inherited Retinal Disease Expert Panel Specifications to the ACMG/AMP Variant Interpretation Guidelines for RPGR Version 1.0.0; PVS1 and PM2_supporting. (date of approval 05/16/2025).

Dept Of Ophthalmology, Nagoya University
Classification: Uncertain significance for Retinal dystrophy. Last evaluated: 2023-10-01. Review status: criteria provided, single submitter. Criteria: Submitter's publication. Collection method: research. Allele origin: germline. Affected: yes. Not counted in ClinVar's aggregate classification.

Molecular Genetics Laboratory, Institute for Ophthalmic Research
Classification: Pathogenic for Retinitis pigmentosa. Last evaluated: 2020-01-09. Review status: criteria provided, single submitter. Criteria: ACMG Guidelines, 2015. Collection method: research. Allele origin: germline. Affected: yes. Not counted in ClinVar's aggregate classification.

CeGaT Center for Human Genetics Tuebingen
Classification: Likely pathogenic. Last evaluated: 2017-03-01. Review status: criteria provided, single submitter. Criteria: CeGaT Center For Human Genetics Tuebingen Variant Classification Criteria Version 2. Collection method: clinical testing. Allele origin: germline. Affected: yes. Observed: 2 variant alleles. Not counted in ClinVar's aggregate classification.